The following is an entry in ClinVar:

ClinVar aggregate classification (germline): Uncertain significance. Review status: criteria provided, multiple submitters, no conflicts (2 of 4 stars). 8 submissions from 8 submitters: Uncertain significance (7). 1 of the submissions does not count toward it. Last evaluated 2026-05-15.

Conditions:
Cardiovascular phenotype. Identifiers: MedGen CN230736.
Cardiomyopathy (CMYO). Also called: Cardiomyopathies. Identifiers: Orphanet 167848, MedGen C0878544, MONDO:0004994, HP:0001638. Inheritance: Various modes of inheritance.
Hypertrophic cardiomyopathy 4. Also called: Familial hypertrophic cardiomyopathy 4. Identifiers: MedGen C1861862, MONDO:0007268, OMIM 115197.
Hypertrophic cardiomyopathy. Also called: HYPERTROPHIC MYOCARDIOPATHY. Identifiers: Orphanet 217569, MedGen C0007194, MeSH D002312, MONDO:0005045, HP:0001639.

Allele frequency attached by ClinVar (database versions not stated): gnomAD exomes 0.00001; ExAC 0.00002; gnomAD 0.00002; TOPMed 0.00003.

Submissions (8):

Ambry Genetics
Classification: Uncertain significance for Cardiovascular phenotype. Last evaluated: 2026-05-15. Review status: criteria provided, single submitter. Criteria: Ambry Variant Classification Scheme 2023. Collection method: clinical testing. Allele origin: germline.
Comment: The p.R834W variant (also known as c.2500C>T), located in coding exon 25 of the MYBPC3 gene, results from a C to T substitution at nucleotide position 2500. The arginine at codon 834 is replaced by tryptophan, an amino acid with dissimilar properties. This alteration has been reported in a sudden cardiac death subject, who also carried another missense alteration in MYBPC3 (Alders M et al. Eur Heart J, 2003 Oct;24:1848-53; Hofman N et al. Pediatrics, 2007 Oct;120:e967-73). This variant was also reported in another case of sudden cardiac death in a subject with a personal and family history of syncope (Anderson JH et al. Circ Cardiovasc Genet, 2016 Jun;9:259-65). This amino acid position is not well conserved in available vertebrate species. In addition, this alteration is predicted to be tolerated by in silico analysis. Since supporting evidence is limited at this time, the clinical significance of this alteration remains unclear.

Labcorp Genetics (formerly Invitae), Labcorp
Classification: Uncertain significance for Hypertrophic cardiomyopathy. Last evaluated: 2025-11-22. Review status: criteria provided, single submitter. Criteria: Invitae Variant Classification Sherloc (09022015). Collection method: clinical testing. Allele origin: germline.
Comment: This sequence change replaces arginine, which is basic and polar, with tryptophan, which is neutral and slightly polar, at codon 834 of the MYBPC3 protein (p.Arg834Trp). This variant is present in population databases (rs752007810, gnomAD 0.003%). This missense change has been observed in individual(s) with sudden cardiac death and/or hypertrophic cardiomyopathy (PMID: 14563344, 34667957). ClinVar contains an entry for this variant (Variation ID: 454314). An algorithm developed to predict the effect of missense changes on protein structure and function (PolyPhen-2) suggests that this variant is likely to be disruptive. In summary, the available evidence is currently insufficient to determine the role of this variant in disease. Therefore, it has been classified as a Variant of Uncertain Significance.

Blueprint Genetics
Classification: Uncertain significance. Last evaluated: 2024-11-25. Review status: criteria provided, single submitter. Criteria: ACMG Guidelines, 2015. Collection method: clinical testing. Allele origin: germline.

All of Us Research Program, National Institutes of Health
Classification: Uncertain significance for Hypertrophic cardiomyopathy. Last evaluated: 2024-08-06. Review status: criteria provided, single submitter. Criteria: ACMG Guidelines, 2015. Collection method: clinical testing. Allele origin: germline. Inheritance: Autosomal dominant inheritance. Observed: 10 variant alleles, 10 heterozygotes.
Comment: This missense variant replaces arginine with tryptophan at codon 834 of the MYBPC3 protein. Computational prediction suggests that this variant may not impact protein structure and function (internally defined REVEL score threshold <= 0.5, PMID: 27666373). To our knowledge, functional studies have not been reported for this variant. This variant has been reported in an individual affected with early-onset hypertrophic cardiomyopathy and sudden cardiac death, who also carried a pathogenic variant in the same gene (PMID: 14563344, 17908752), and in an individual who suffered sudden death (PMID: 27114410, 34667957, 34949102). This variant has been identified in 3/249090 chromosomes in the general population by the Genome Aggregation Database (gnomAD). The available evidence is insufficient to determine the role of this variant in disease conclusively. Therefore, this variant is classified as a Variant of Uncertain Significance.

This study involves interpretation of variants in research participants for the purpose of population health screening. Participant phenotype was not available at the time of variant classification. Additional details can be found in publication PMID: 35346344, PMCID: PMC8962531

Color Diagnostics, LLC DBA Color Health
Classification: Uncertain significance for Cardiomyopathy. Last evaluated: 2024-04-12. Review status: criteria provided, single submitter. Criteria: ACMG Guidelines, 2015. Collection method: clinical testing. Allele origin: germline.
Comment: This missense variant replaces arginine with tryptophan at codon 834 of the MYBPC3 protein. Computational prediction tools indicate that this variant has a neutral impact on protein structure and function. To our knowledge, functional studies have not been reported for this variant. This variant has been reported in one individual affected with early-onset hypertrophic cardiomyopathy and sudden cardiac death, who also carried a pathogenic variant in the same gene (PMID: 14563344, 17908752), and in one individual affected with sudden death (PMID: 27114410, 34667957, 34949102). This variant has been identified in 3/249090 chromosomes in the general population by the Genome Aggregation Database (gnomAD). The available evidence is insufficient to determine the role of this variant in disease conclusively. Therefore, this variant is classified as a Variant of Uncertain Significance.

Clinical Genetics DNA and cytogenetics Diagnostics Lab, Erasmus MC, Erasmus Medical Center
Classification: Uncertain significance for Hypertrophic cardiomyopathy 4. Last evaluated: 2017-05-31. Review status: criteria provided, single submitter. Criteria: ACGS Guidelines, 2013. Collection method: clinical testing. Allele origin: germline. Affected: yes. Study: VKGL Data-share Consensus.

Genome Diagnostics Laboratory, University Medical Center Utrecht
Classification: Uncertain significance for Hypertrophic cardiomyopathy 4. Last evaluated: 2016-12-08. Review status: criteria provided, single submitter. Criteria: ACGS Guidelines, 2013. Collection method: clinical testing. Allele origin: germline. Affected: yes. Study: VKGL Data-share Consensus.

Joint Genome Diagnostic Labs from Nijmegen and Maastricht, Radboudumc and MUMC+
Classification: Uncertain significance. Review status: no assertion criteria provided. Collection method: clinical testing. Allele origin: germline. Affected: yes. Study: VKGL Data-share Consensus. Not counted in ClinVar's aggregate classification.

Literature cited by the submitters: PubMed 14563344 (cited by 4 submitters); PubMed 17908752 (cited by 3 submitters); PubMed 27114410 (cited by 3 submitters); PubMed 35629155 (cited by Ambry Genetics); PubMed 34667957 (cited by 3 submitters); PubMed 34949102 (cited by All of Us Research Program, National Institutes of Health and Color Diagnostics, LLC DBA Color Health).

NM_000256.3(MYBPC3):c.2500C>T (p.Arg834Trp)

Gene: MYBPC3 (myosin binding protein C3; minus strand). Cytogenetic location: 11p11.2.
Variant type: single nucleotide variant.
Coding change: c.2500C>T on transcript NM_000256.3 (MANE Select); coding-DNA position 2500, C replaced by T.
Protein change: p.Arg834Trp; replaces arginine 834 with tryptophan.
Molecular consequence: missense variant.
Genome position (GRCh38, 1-based): chr11:47,337,493, G>A on the plus strand (C>T on the coding strand, the complement: MYBPC3 is on the minus strand). VCF-style: chr11-47337493-G-A. GRCh37 (hg19) VCF-style: chr11-47359044-G-A.
Other names: c.2500C>T, p.Arg834Trp (LRG_386t1); short protein forms R834W.
Identifiers: ClinVar variation 454314 (VCV000454314.31), dbSNP rs752007810, ClinGen allele CA050196.